The following is an entry in ClinVar:

NM_181486.4(TBX5):c.1104C>G (p.Tyr368Ter)

Gene: TBX5 (T-box transcription factor 5; minus strand). Cytogenetic location: 12q24.21.
Variant type: single nucleotide variant.
Coding change: c.1104C>G on transcript NM_181486.4 (MANE Select); coding-DNA position 1104, C replaced by G.
Protein change: p.Tyr368Ter; replaces tyrosine 368 with a stop codon.
Molecular consequence: nonsense.
Genome position (GRCh38, 1-based): chr12:114,355,985, G>C on the plus strand (C>G on the coding strand, the complement: TBX5 is on the minus strand). VCF-style: chr12-114355985-G-C. GRCh37 (hg19) VCF-style: chr12-114793790-G-C.
Other names: c.1104C>G, p.Tyr368Ter (NM_000192.3); c.954C>G, p.Tyr318Ter (NM_080717.4); short protein forms Y368*, Y318*.
Identifiers: ClinVar variation 567672 (VCV000567672.8), dbSNP rs1565923835, ClinGen allele CA386925778.

ClinVar aggregate classification (germline): Pathogenic (1 of 4 stars; one submission).

Conditions:
Aortic valve disease 2 (AOVD2). Identifiers: MedGen C3542024, MONDO:0013902, OMIM 614823.

Submission:

Labcorp Genetics (formerly Invitae), Labcorp
Classification: Pathogenic for Aortic valve disease 2. Last evaluated: 2018-03-25. Review status: criteria provided, single submitter. Criteria: Invitae Variant Classification Sherloc (09022015). Collection method: clinical testing. Allele origin: germline.
Comment: This variant has not been reported in the literature in individuals with TBX5-related disease. For these reasons, this variant has been classified as Pathogenic. Several truncating variants (p.Tyr407*, p.Gln456*, p.Ala377Leufs*17, p.Ala384Aspfs*103, p.Ser387Lysfs*100) that lie downstream of this variant have been reported in individuals affected with TBX5-related disease (PMID: 25500235, 16917909, 17534187 , 12789647, 8988164). This suggests that deletion of this region of the TBX5 protein is causative of disease. This variant is not present in population databases (ExAC no frequency). This sequence change results in a premature translational stop signal in the TBX5 gene (p.Tyr368*). While this is not anticipated to result in nonsense mediated decay, it is expected to delete the last 151 amino acids of the TBX5 protein.

Literature cited by the submitters: PubMed 25500235; PubMed 16917909; PubMed 17534187; PubMed 12789647; PubMed 8988164.